The following is an entry in ClinVar:

NM_024642.5(GALNT12):c.322A>T (p.Ser108Cys)

Gene: GALNT12 (polypeptide N-acetylgalactosaminyltransferase 12; plus strand). Cytogenetic location: 9q22.33.
Variant type: single nucleotide variant.
Coding change: c.322A>T on transcript NM_024642.5 (MANE Select); coding-DNA position 322, A replaced by T.
Protein change: p.Ser108Cys; replaces serine 108 with cysteine.
Molecular consequence: missense variant.
Genome position (GRCh38, 1-based): chr9:98,808,020, A>T. VCF-style: chr9-98808020-A-T. GRCh37 (hg19) VCF-style: chr9-101570302-A-T.
Other names: short protein forms S108C.
Identifiers: ClinVar variation 1729166 (VCV001729166.2), dbSNP rs1332042794, ClinGen allele CA374222942.

ClinVar aggregate classification (germline): Uncertain significance (1 of 4 stars; one submission).

Submission:

Ambry Genetics
Classification: Uncertain significance. Last evaluated: 2022-01-27. Review status: criteria provided, single submitter. Criteria: Ambry Variant Classification Scheme 2023. Collection method: clinical testing. Allele origin: germline.
Comment: The p.S108C variant (also known as c.322A>T), located in coding exon 1 of the GALNT12 gene, results from an A to T substitution at nucleotide position 322. The serine at codon 108 is replaced by cysteine, an amino acid with dissimilar properties. This amino acid position is conserved. In addition, this alteration is predicted to be deleterious by in silico analysis. Since supporting evidence is limited at this time, the clinical significance of this alteration remains unclear.